The following is an entry in ClinVar:

ClinVar aggregate classification (germline): Uncertain significance (1 of 4 stars; one submission).

Allele frequency attached by ClinVar (database versions not stated): gnomAD exomes below 0.00001 and 0.00001; gnomAD 0.00001.

Submission:

Labcorp Genetics (formerly Invitae), Labcorp
Classification: Uncertain significance. Last evaluated: 2024-10-25. Review status: criteria provided, single submitter. Criteria: Invitae Variant Classification Sherloc (09022015). Collection method: clinical testing. Allele origin: germline.
Comment: This sequence change replaces methionine, which is neutral and non-polar, with threonine, which is neutral and polar, at codon 4 of the GNB3 protein (p.Met4Thr). This variant is present in population databases (no rsID available, gnomAD 0.0009%). This variant has not been reported in the literature in individuals affected with GNB3-related conditions. ClinVar contains an entry for this variant (Variation ID: 1399268). Invitae Evidence Modeling of protein sequence and biophysical properties (such as structural, functional, and spatial information, amino acid conservation, physicochemical variation, residue mobility, and thermodynamic stability) indicates that this missense variant is not expected to disrupt GNB3 protein function with a negative predictive value of 80%. In summary, the available evidence is currently insufficient to determine the role of this variant in disease. Therefore, it has been classified as a Variant of Uncertain Significance.

NM_002075.4(GNB3):c.11T>C (p.Met4Thr)

Gene: GNB3 (G protein subunit beta 3; plus strand). Cytogenetic location: 12p13.31.
Variant type: single nucleotide variant.
Coding change: c.11T>C on transcript NM_002075.4 (MANE Select); coding-DNA position 11, T replaced by C.
Protein change: p.Met4Thr; replaces methionine 4 with threonine.
Molecular consequence: missense variant.
Genome position (GRCh38, 1-based): chr12:6,841,298, T>C. VCF-style: chr12-6841298-T-C. GRCh37 (hg19) VCF-style: chr12-6950462-T-C.
Other names: c.11T>C, p.Met4Thr (NM_001297571.2); short protein forms M4T.
Identifiers: ClinVar variation 1399268 (VCV001399268.6), dbSNP rs925371824, ClinGen allele CA232397592.